The following is an entry in ClinVar:

ClinVar aggregate classification (germline): Conflicting classifications of pathogenicity. Review status: criteria provided, conflicting classifications (1 of 4 stars). 2 submissions from 2 submitters: Uncertain significance (1); Likely benign (1). Last evaluated 2023-09-17.

Conditions:
Primary dilated cardiomyopathy (DCM). Also called: Dilated Cardiomyopathy. Identifiers: Orphanet 217604, MedGen C0007193, MeSH D002311, MONDO:0005021, HP:0001644. Inheritance: Various modes of inheritance.

Submissions (2):

All of Us Research Program, National Institutes of Health
Classification: Uncertain significance for Primary dilated cardiomyopathy. Last evaluated: 2023-09-17. Review status: criteria provided, single submitter. Criteria: ACMG Guidelines, 2015. Collection method: clinical testing. Allele origin: germline. Inheritance: Autosomal dominant inheritance. Observed: 1 variant allele, 1 heterozygote.
Comment: This variant inserts one nucleotide substitution at the +5 position of intron 7 of the LMNA gene. To our knowledge, functional studies have not been reported for this variant. This variant has not been reported in individuals affected with LMNA-related disorders in the literature. This variant has not been identified in the general population by the Genome Aggregation Database (gnomAD). The available evidence is insufficient to determine the role of this variant in disease conclusively. Therefore, this variant is classified as a Variant of Uncertain Significance.

This study involves interpretation of variants in research participants for the purpose of population health screening. Participant phenotype was not available at the time of variant classification. Additional details can be found in publication PMID: 35346344, PMCID: PMC8962531

GeneDx
Classification: Likely benign. Last evaluated: 2020-01-15. Review status: criteria provided, single submitter. Criteria: GeneDx Variant Classification Process June 2021. Collection method: clinical testing. Allele origin: germline. Affected: yes.

NM_170707.4(LMNA):c.1380+5dup

Gene: LMNA (lamin A/C; plus strand). Cytogenetic location: 1q22.
Variant type: Duplication.
Coding change: c.1380+5dup on transcript NM_170707.4 (MANE Select); 5 bases into the intron after coding-DNA position 1380, one base duplicated (G; older notation c.1380+5dupG).
Molecular consequence: intron variant.
Genome position (GRCh38, 1-based): chr1:156,136,441, G duplicated; the last of 2 consecutive G bases (chr1:156,136,440-156,136,441); duplicating either gives the same sequence. VCF-style (leftmost placement, unchanged base first): chr1-156136439-A-AG. GRCh37 (hg19) VCF-style: chr1-156106230-A-AG.
Other names: c.1380+5dup (NM_001282625.2, NM_001282626.2, NM_170708.4 and 1 more transcripts); c.1044+5dup (NM_001257374.3); c.1137+5dup (NM_001282624.2).
Identifiers: ClinVar variation 1198097 (VCV001198097.3), dbSNP rs2102891660, ClinGen allele CA2499214220.
Genomic context (GRCh38, chr1:156,136,439, plus strand): 5'-CGTGGAGGAGGTGGATGAGGAGGGCAAGTTTGTCCGGCTGCGCAACAAGTCCAATGAGGT[A>AG]GGCTCCTGCTCAGGGTCTAAGGGGATACAGCTGCATCAGGGAGAGAGTGGCAAGACAGAA-3'